The following is an entry in ClinVar:

ClinVar aggregate classification (germline): Uncertain significance. Review status: criteria provided, multiple submitters, no conflicts (2 of 4 stars). 2 submissions from 2 submitters: Uncertain significance (2). Last evaluated 2025-08-06.

Conditions:
Early-infantile DEE. Also called: Early infantile epileptic encephalopathy with suppression bursts; Early infantile epileptic encephalopathy; Ohtahara syndrome. Identifiers: Orphanet 1934, MedGen C0393706, MONDO:0800491.
Inborn genetic diseases. Identifiers: MedGen C0950123, MeSH D030342.

Submissions (2):

Labcorp Genetics (formerly Invitae), Labcorp
Classification: Uncertain significance for Early-infantile DEE. Last evaluated: 2025-08-06. Review status: criteria provided, single submitter. Criteria: Invitae Variant Classification Sherloc (09022015). Collection method: clinical testing. Allele origin: germline.
Comment: This sequence change falls in intron 15 of the SCN1A gene. It does not directly change the encoded amino acid sequence of the SCN1A protein. It affects a nucleotide within the consensus splice site. This variant is not present in population databases (gnomAD no frequency). This variant has not been reported in the literature in individuals affected with SCN1A-related conditions. ClinVar contains an entry for this variant (Variation ID: 1797966). Variants that disrupt the consensus splice site are a relatively common cause of aberrant splicing (PMID: 17576681, 9536098). Algorithms developed to predict the effect of sequence changes on RNA splicing suggest that this variant is not likely to affect RNA splicing. In summary, the available evidence is currently insufficient to determine the role of this variant in disease. Therefore, it has been classified as a Variant of Uncertain Significance.

Ambry Genetics
Classification: Uncertain significance for Inborn genetic diseases. Last evaluated: 2020-03-17. Review status: criteria provided, single submitter. Criteria: Ambry Variant Classification Scheme 2023. Collection method: clinical testing. Allele origin: germline.
Comment: The c.2946+4T>G intronic variant results from a T to G substitution 4 nucleotides after coding exon 15 in the SCN1A gene. This nucleotide position is not well conserved in available vertebrate species. Using the BDGP and ESEfinder splice site prediction tools, this alteration is not predicted to have any significant effect on this splice acceptor/donor site; however, direct evidence is unavailable. Since supporting evidence is limited at this time, the clinical significance of this alteration remains unclear.

Literature cited by the submitters: PubMed 17576681 (cited by Labcorp Genetics (formerly Invitae), Labcorp); PubMed 9536098 (cited by Labcorp Genetics (formerly Invitae), Labcorp).

NM_001165963.4(SCN1A):c.2946+4T>G

Gene: SCN1A (sodium voltage-gated channel alpha subunit 1; minus strand). Cytogenetic location: 2q24.3.
Variant type: single nucleotide variant.
Coding change: c.2946+4T>G on transcript NM_001165963.4 (MANE Select); 4 bases into the intron after coding-DNA position 2946, T replaced by G.
Molecular consequence: intron variant.
Genome position (GRCh38, 1-based): chr2:166,037,772, A>C on the plus strand (T>G on the coding strand, the complement: SCN1A is on the minus strand). VCF-style: chr2-166037772-A-C. GRCh37 (hg19) VCF-style: chr2-166894282-A-C.
Other names: c.2913+4T>G (NM_001353949.2, NM_001353950.2, NM_001353951.2 and 2 more transcripts); c.2862+4T>G (NM_001353958.2, NM_001353957.2, NM_001165964.3); c.2946+4T>G (NM_001202435.3, NM_001353948.2); c.2910+4T>G (NM_001353955.2, NM_001353954.2); c.2859+4T>G (NM_001353960.2); c.504+4T>G (NM_001353961.2).
Identifiers: ClinVar variation 1797966 (VCV001797966.3), dbSNP rs1390205269, ClinGen allele CA2580064357.